The following is an entry in ClinVar:

NM_014915.3(ANKRD26):c.3376A>C (p.Ile1126Leu)

Gene: ANKRD26 (ankyrin repeat domain 26; minus strand). Cytogenetic location: 10p12.1.
Variant type: single nucleotide variant.
Coding change: c.3376A>C on transcript NM_014915.3 (MANE Select); coding-DNA position 3376, A replaced by C.
Protein change: p.Ile1126Leu; replaces isoleucine 1126 with leucine.
Molecular consequence: missense variant.
Genome position (GRCh38, 1-based): chr10:27,035,074, T>G on the plus strand (A>C on the coding strand, the complement: ANKRD26 is on the minus strand). VCF-style: chr10-27035074-T-G. GRCh37 (hg19) VCF-style: chr10-27324003-T-G.
Other names: c.3373A>C, p.Ile1125Leu (NM_001256053.2); short protein forms I1125L, I1126L.
Identifiers: ClinVar variation 4859504 (VCV004859504.1).
Genomic context (GRCh38, chr10:27,035,074, plus strand): 5'-GCAACATATTCTCACTTTGTAGTTGAGACAATCTCTCCTCTACAGACTCCTGCTTTCCAA[T>G]GTATTTATTCACTTTAACTTGTTCATTTTGATACTTTTGTTCCATTTCCTTCATTTGACA-3'
Protein context (NP_055730.2, residues 1116-1136): QNEQVKVNKY[Ile1126Leu]GKQESVEERL

ClinVar aggregate classification (germline): Uncertain significance (1 of 4 stars; one submission).

Conditions:
Inborn genetic diseases. Identifiers: MedGen C0950123, MeSH D030342.

gnomAD v4.1: 2 of 1,613,368 alleles (0.00012%); no homozygotes.

Submission:

Ambry Genetics
Classification: Uncertain significance for Inborn genetic diseases. Last evaluated: 2026-04-24. Review status: criteria provided, single submitter. Criteria: Ambry Variant Classification Scheme 2023. Collection method: clinical testing. Allele origin: germline.
Comment: The p.I1126L variant (also known as c.3376A>C), located in coding exon 24 of the ANKRD26 gene, results from an A to C substitution at nucleotide position 3376. The isoleucine at codon 1126 is replaced by leucine, an amino acid with highly similar properties. This amino acid position is conserved. In addition, this alteration is predicted to be tolerated by in silico analysis. Based on the available evidence, the clinical significance of this variant remains unclear.